The following is an entry in ClinVar:

NM_001130144.3(LTBP3):c.1441T>C (p.Phe481Leu)

Gene: LTBP3 (latent transforming growth factor beta binding protein 3; minus strand). Cytogenetic location: 11q13.1.
Variant type: single nucleotide variant.
Coding change: c.1441T>C on transcript NM_001130144.3 (MANE Select); coding-DNA position 1441, T replaced by C.
Protein change: p.Phe481Leu; replaces phenylalanine 481 with leucine.
Molecular consequence: missense variant.
Genome position (GRCh38, 1-based): chr11:65,552,062, A>G on the plus strand (T>C on the coding strand, the complement: LTBP3 is on the minus strand). VCF-style: chr11-65552062-A-G. GRCh37 (hg19) VCF-style: chr11-65319533-A-G.
Other names: c.1090T>C, p.Phe364Leu (NM_001164266.1); c.1441T>C, p.Phe481Leu (NM_021070.4); short protein forms F364L, F481L.
Identifiers: ClinVar variation 3014618 (VCV003014618.3), dbSNP rs536941687, ClinGen allele CA223968877.
Genomic context (GRCh38, chr11:65,552,062, plus strand): 5'-GAGCCTGGCTAGGGCTCTCCGGAAGCTGCTGGGGCTTGGGTGGCCCGTCAGGGTGCAGGA[A>G]AAGGGAAAAGTCACTCTCGCCCTGAATGGTGAGCGTCTGGTGGGAGGTGAGAATGTGGTA-3'
Protein context (NP_001123616.1, residues 471-491): TIQGESDFSL[Phe481Leu]LHPDGPPKPQ

ClinVar aggregate classification (germline): Uncertain significance (1 of 4 stars; one submission).

Conditions:
Brachyolmia-amelogenesis imperfecta syndrome. Also called: PLATYSPONDYLY WITH AMELOGENESIS IMPERFECTA; Tooth agenesis, selective, 6; Dental anomalies and short stature. Identifiers: Orphanet 2899, MedGen C1832594, MONDO:0011018, OMIM 601216. Disease mechanism: loss of function.

Allele frequency attached by ClinVar (database versions not stated): gnomAD exomes 0.00001; gnomAD 0.00002.
gnomAD v4.1: 7 of 1,613,956 alleles (0.00043%); highest among the groups gnomAD compares: Non-Finnish European, 0.00059%; no homozygotes.

Submission:

Labcorp Genetics (formerly Invitae), Labcorp
Classification: Uncertain significance for Brachyolmia-amelogenesis imperfecta syndrome. Last evaluated: 2025-12-16. Review status: criteria provided, single submitter. Criteria: Invitae Variant Classification Sherloc (09022015). Collection method: clinical testing. Allele origin: germline.
Comment: This sequence change replaces phenylalanine, which is neutral and non-polar, with leucine, which is neutral and non-polar, at codon 481 of the LTBP3 protein (p.Phe481Leu). This variant is present in population databases (rs536941687, gnomAD 0.02%). This variant has not been reported in the literature in individuals affected with LTBP3-related conditions. ClinVar contains an entry for this variant (Variation ID: 3014618). An algorithm developed to predict the effect of missense changes on protein structure and function (PolyPhen-2) suggests that this variant is likely to be tolerated. In summary, the available evidence is currently insufficient to determine the role of this variant in disease. Therefore, it has been classified as a Variant of Uncertain Significance.